The following is an entry in ClinVar:

NM_000718.4(CACNA1B):c.1218T>G (p.Asn406Lys)

Gene: CACNA1B (calcium voltage-gated channel subunit alpha1 B; plus strand). Cytogenetic location: 9q34.3.
Variant type: single nucleotide variant.
Coding change: c.1218T>G on transcript NM_000718.4 (MANE Select); coding-DNA position 1218, T replaced by G.
Protein change: p.Asn406Lys; replaces asparagine 406 with lysine.
Molecular consequence: missense variant.
Genome position (GRCh38, 1-based): chr9:137,956,802, T>G. VCF-style: chr9-137956802-T-G. GRCh37 (hg19) VCF-style: chr9-140851254-T-G.
Other names: c.1218T>G, p.Asn406Lys (NM_001243812.2); short protein forms N406K.
Identifiers: ClinVar variation 1349379 (VCV001349379.5), dbSNP rs772371250, ClinGen allele CA5376083.

ClinVar aggregate classification (germline): Uncertain significance (1 of 4 stars; one submission).

Allele frequency attached by ClinVar (database versions not stated): TOPMed below 0.00001.
gnomAD v4.1: 1 of 1,613,832 alleles (0.000062%); highest among the groups gnomAD compares: Admixed American, 0.0017%; no homozygotes.

Submission:

Labcorp Genetics (formerly Invitae), Labcorp
Classification: Uncertain significance. Last evaluated: 2021-12-15. Review status: criteria provided, single submitter. Criteria: Invitae Variant Classification Sherloc (09022015). Collection method: clinical testing. Allele origin: germline.
Comment: This sequence change replaces asparagine, which is neutral and polar, with lysine, which is basic and polar, at codon 406 of the CACNA1B protein (p.Asn406Lys). Advanced modeling of protein sequence and biophysical properties (such as structural, functional, and spatial information, amino acid conservation, physicochemical variation, residue mobility, and thermodynamic stability) performed at Invitae indicates that this missense variant is not expected to disrupt CACNA1B protein function. This variant has not been reported in the literature in individuals affected with CACNA1B-related conditions. This variant is present in population databases (rs772371250, gnomAD 0.003%). In summary, the available evidence is currently insufficient to determine the role of this variant in disease. Therefore, it has been classified as a Variant of Uncertain Significance.